The following is an entry in ClinVar:

ClinVar aggregate classification (germline): Pathogenic. Review status: criteria provided, multiple submitters, no conflicts (2 of 4 stars). 3 submissions from 3 submitters: Pathogenic (2). 1 of the submissions does not count toward it. Last evaluated 2022-05-19.

Conditions:
Optic atrophy. Identifiers: MedGen C0029124, MONDO:0003608, HP:0000648.

Submissions (3):

Labcorp Genetics (formerly Invitae), Labcorp
Classification: Pathogenic. Last evaluated: 2022-05-19. Review status: criteria provided, single submitter. Criteria: Invitae Variant Classification Sherloc (09022015). Collection method: clinical testing. Allele origin: germline.
Comment: For these reasons, this variant has been classified as Pathogenic. ClinVar contains an entry for this variant (Variation ID: 1012714). This premature translational stop signal has been observed in individual(s) with bilateral optic atrophy and decreased visual acuity (PMID: 19319978, 25205859, 34242285). This variant is not present in population databases (gnomAD no frequency). This sequence change creates a premature translational stop signal (p.His631Argfs*3) in the OPA1 gene. It is expected to result in an absent or disrupted protein product. Loss-of-function variants in OPA1 are known to be pathogenic (PMID: 11440988, 20157015, 20952381, 25012220).

CeGaT Center for Human Genetics Tuebingen
Classification: Pathogenic. Last evaluated: 2021-01-01. Review status: criteria provided, single submitter. Criteria: CeGaT Center For Human Genetics Tuebingen Variant Classification Criteria Version 2. Collection method: clinical testing. Allele origin: germline. Affected: yes. Observed: 1 variant allele.

Institute of Human Genetics, Univ. Regensburg, Univ. Regensburg
Classification: Pathogenic for Optic atrophy. Last evaluated: 2019-01-01. Review status: no assertion criteria provided. Criteria: ACMG Guidelines, 2015. Collection method: clinical testing. Allele origin: germline. Affected: yes. Not counted in ClinVar's aggregate classification.

Literature cited by the submitters: PubMed 19319978 (cited by Labcorp Genetics (formerly Invitae), Labcorp); PubMed 25205859 (cited by Labcorp Genetics (formerly Invitae), Labcorp); PubMed 34242285 (cited by Labcorp Genetics (formerly Invitae), Labcorp); PubMed 11440988 (cited by Labcorp Genetics (formerly Invitae), Labcorp); PubMed 20157015 (cited by Labcorp Genetics (formerly Invitae), Labcorp); PubMed 20952381 (cited by Labcorp Genetics (formerly Invitae), Labcorp); PubMed 25012220 (cited by Labcorp Genetics (formerly Invitae), Labcorp).

NM_130837.3(OPA1):c.2057_2058del (p.His686fs)

Gene: OPA1 (OPA1 mitochondrial dynamin like GTPase; plus strand). Cytogenetic location: 3q29.
Variant type: Deletion.
Coding change: c.2057_2058del on transcript NM_130837.3 (MANE Select); coding-DNA positions 2057 to 2058, 2 bases deleted (AT; older notation c.2057_2058delAT).
Protein change: p.His686fs; shifts the reading frame from histidine 686.
Molecular consequence: frameshift variant.
Genome position (GRCh38, 1-based): chr3:193,654,906-193,654,907, AT deleted. VCF-style (leftmost placement, unchanged base first): chr3-193654905-CAT-C. GRCh37 (hg19) VCF-style: chr3-193372694-CAT-C.
Other names: c.1523_1524del, p.His508fs (NM_001354663.2); c.1520_1521del, p.His507fs (NM_001354664.2); c.1892_1893del, p.His631fs (NM_015560.3); c.1784_1785del, p.His595fs (NM_130831.3); c.1838_1839del, p.His613fs (NM_130832.3); c.1895_1896del, p.His632fs (NM_130833.3); c.1946_1947del, p.His649fs (NM_130834.3); c.1949_1950del, p.His650fs (NM_130835.3); and 1 more; short protein forms H507fs, H508fs, H595fs, H613fs, H631fs, H632fs, H649fs, H650fs.
Identifiers: ClinVar variation 1012714 (VCV001012714.42), dbSNP rs1713427542, ClinGen allele CA437439635.
Genomic context (GRCh38, chr3:193,654,905, plus strand): 5'-ATACTTTTTTATTTCAGGGAGGAAATCCTTCAACAATCTTTGTGGGAAAGAGTATCAACT[CAT>C]GTGATTGAAAACATCTACCTTCCAGCTGCGCAGACCATGAATTCAGGAACTTTTAACACC-3'